The following is an entry in ClinVar:

NM_030958.3(SLCO5A1):c.2386C>G (p.Pro796Ala)

Gene: SLCO5A1 (solute carrier organic anion transporter family member 5A1; minus strand). Cytogenetic location: 8q13.3.
Variant type: single nucleotide variant.
Coding change: c.2386C>G on transcript NM_030958.3 (MANE Select); coding-DNA position 2386, C replaced by G.
Protein change: p.Pro796Ala; replaces proline 796 with alanine.
Molecular consequence: missense variant. On other transcripts: 3 prime UTR variant (1).
Genome position (GRCh38, 1-based): chr8:69,673,030, G>C on the plus strand (C>G on the coding strand, the complement: SLCO5A1 is on the minus strand). VCF-style: chr8-69673030-G-C. GRCh37 (hg19) VCF-style: chr8-70585265-G-C.
Other names: c.*257C>G (NM_001146008.2); c.2221C>G, p.Pro741Ala (NM_001146009.1); c.2386C>G (NM_030958.2); short protein forms P796A, P741A.
Identifiers: ClinVar variation 1363037 (VCV001363037.7), dbSNP rs200729998, ClinGen allele CA4776340.

ClinVar aggregate classification (germline): Uncertain significance. Review status: criteria provided, multiple submitters, no conflicts (2 of 4 stars). 2 submissions from 2 submitters: Uncertain significance (2). Last evaluated 2026-01-13.

Allele frequency attached by ClinVar (database versions not stated): ESP Exome Variant Server 0.00008; gnomAD 0.00020 and 0.00021; gnomAD exomes 0.00020; ExAC 0.00026; TOPMed 0.00026.
gnomAD v4.1: 275 of 1,614,058 alleles (0.017%); highest among the groups gnomAD compares: Non-Finnish European, 0.021%; 1 homozygote.

Submissions (2):

Labcorp Genetics (formerly Invitae), Labcorp
Classification: Uncertain significance. Last evaluated: 2026-01-13. Review status: criteria provided, single submitter. Criteria: Invitae Variant Classification Sherloc (09022015). Collection method: clinical testing. Allele origin: germline.
Comment: This sequence change replaces proline, which is neutral and non-polar, with alanine, which is neutral and non-polar, at codon 796 of the SLCO5A1 protein (p.Pro796Ala). This variant is present in population databases (rs200729998, gnomAD 0.04%). This variant has not been reported in the literature in individuals affected with SLCO5A1-related conditions. ClinVar contains an entry for this variant (Variation ID: 1363037). An algorithm developed to predict the effect of missense changes on protein structure and function (PolyPhen-2) suggests that this variant is likely to be disruptive. In summary, the available evidence is currently insufficient to determine the role of this variant in disease. Therefore, it has been classified as a Variant of Uncertain Significance.

Ambry Genetics
Classification: Uncertain significance. Last evaluated: 2025-05-28. Review status: criteria provided, single submitter. Criteria: Ambry Variant Classification Scheme 2023. Collection method: clinical testing. Allele origin: germline.